The following is an entry in ClinVar:

NM_001378454.1(ALMS1):c.1461A>C (p.Lys487Asn)

Gene: ALMS1 (ALMS1 centrosome and basal body associated protein; plus strand). Cytogenetic location: 2p13.1.
Variant type: single nucleotide variant.
Coding change: c.1461A>C on transcript NM_001378454.1 (MANE Select); coding-DNA position 1461, A replaced by C.
Protein change: p.Lys487Asn; replaces lysine 487 with asparagine.
Molecular consequence: missense variant.
Genome position (GRCh38, 1-based): chr2:73,447,988, A>C. VCF-style: chr2-73447988-A-C. GRCh37 (hg19) VCF-style: chr2-73675118-A-C.
Other names: c.1464A>C, p.Lys488Asn (NM_015120.4); short protein forms K487N, K488N.
Identifiers: ClinVar variation 944187 (VCV000944187.3), dbSNP rs1671840179, ClinGen allele CA347264459.
Genomic context (GRCh38, chr2:73,447,988, plus strand): 5'-TATATACTATTAACAAATCTCTTTTTCTTTAGGAGACACTTCTAAAGGAGGCATAGCTAA[A>C]GTTACTCAATCCAACTTGAAGTCAGGCATCACTACCACTCCTGTTGATTCAGACATTGGA-3'
Protein context (NP_001365383.1, residues 477-497): AGDTSKGGIA[Lys487Asn]VTQSNLKSGI

ClinVar aggregate classification (germline): Uncertain significance. Review status: criteria provided, multiple submitters, no conflicts (2 of 4 stars). 2 submissions from 2 submitters: Uncertain significance (2). Last evaluated 2022-05-10.

Conditions:
Cardiovascular phenotype. Identifiers: MedGen CN230736.
Alstrom syndrome (ALMS). Identifiers: Orphanet 64, MedGen C0268425, MONDO:0008763, OMIM 203800.

Allele frequency attached by ClinVar (database versions not stated): gnomAD exomes below 0.00001.
gnomAD v4.1: 1 of 1,613,368 alleles (0.000062%); highest among the groups gnomAD compares: Non-Finnish European, 0.000085%; no homozygotes.

Submissions (2):

Ambry Genetics
Classification: Uncertain significance for Cardiovascular phenotype. Last evaluated: 2022-05-10. Review status: criteria provided, single submitter. Criteria: Ambry Variant Classification Scheme 2023. Collection method: clinical testing. Allele origin: germline.
Comment: The p.K488N variant (also known as c.1464A>C), located in coding exon 8 of the ALMS1 gene, results from an A to C substitution at nucleotide position 1464. The lysine at codon 488 is replaced by asparagine, an amino acid with similar properties. This amino acid position is poorly conserved in available vertebrate species. In addition, this alteration is predicted to be tolerated by in silico analysis. Since supporting evidence is limited at this time, the clinical significance of this alteration remains unclear.

Labcorp Genetics (formerly Invitae), Labcorp
Classification: Uncertain significance for Alstrom syndrome. Last evaluated: 2019-06-28. Review status: criteria provided, single submitter. Criteria: Invitae Variant Classification Sherloc (09022015). Collection method: clinical testing. Allele origin: germline.
Comment: This sequence change replaces lysine with asparagine at codon 488 of the ALMS1 protein (p.Lys488Asn). The lysine residue is weakly conserved and there is a moderate physicochemical difference between lysine and asparagine. This variant is not present in population databases (ExAC no frequency) and has not been reported in the literature in individuals with a ALMS1-related disease. Algorithms developed to predict the effect of missense changes on protein structure and function (SIFT, PolyPhen-2, Align-GVGD) all suggest that this variant is likely to be tolerated, but these predictions have not been confirmed by published functional studies. In summary, this variant is a novel missense change that is not predicted to affect protein function. There is no indication that it causes disease, but the available evidence is currently insufficient to prove that conclusively. Therefore, it has been classified as a Variant of Uncertain Significance.